The following is an entry in ClinVar:

ClinVar aggregate classification (germline): Pathogenic. Review status: criteria provided, multiple submitters, no conflicts (2 of 4 stars). 2 submissions from 2 submitters: Pathogenic (2). Last evaluated 2023-12-08.

Conditions:
Hereditary cancer-predisposing syndrome. Also called: Hereditary Cancer Syndrome; Neoplastic Syndromes, Hereditary; Tumor predisposition; Hereditary neoplastic syndrome. Identifiers: Orphanet 140162, MedGen C0027672, MeSH D009386, MONDO:0015356.
BAP1-related tumor predisposition syndrome (TPDS1). Also called: Tumor susceptibility linked to germline BAP1 mutations; COMMON Syndrome; TUMOR PREDISPOSITION SYNDROME 1; BAP1 tumor predisposition syndrome. Identifiers: Orphanet 289539, MedGen C3280492, MONDO:0013692, OMIM 614327.

Submissions (2):

Labcorp Genetics (formerly Invitae), Labcorp
Classification: Pathogenic for BAP1-related tumor predisposition syndrome. Last evaluated: 2023-12-08. Review status: criteria provided, single submitter. Criteria: Invitae Variant Classification Sherloc (09022015). Collection method: clinical testing. Allele origin: germline.
Comment: This sequence change creates a premature translational stop signal (p.Phe181*) in the BAP1 gene. It is expected to result in an absent or disrupted protein product. Loss-of-function variants in BAP1 are known to be pathogenic (PMID: 21874000, 23684012). This variant is not present in population databases (gnomAD no frequency). This variant has not been reported in the literature in individuals affected with BAP1-related conditions. ClinVar contains an entry for this variant (Variation ID: 1747443). For these reasons, this variant has been classified as Pathogenic.

Ambry Genetics
Classification: Pathogenic for Hereditary cancer-predisposing syndrome. Last evaluated: 2021-04-06. Review status: criteria provided, single submitter. Criteria: Ambry Variant Classification Scheme 2023. Collection method: clinical testing. Allele origin: germline.
Comment: The c.542_543delTT pathogenic mutation, located in coding exon 7 of the BAP1 gene, results from a deletion of two nucleotides at nucleotide positions 542 to 543, causing a translational frameshift with a predicted alternate stop codon (p.F181*). This alteration is expected to result in loss of function by premature protein truncation or nonsense-mediated mRNA decay. As such, this alteration is interpreted as a disease-causing mutation.

Literature cited by the submitters: PubMed 21874000 (cited by Labcorp Genetics (formerly Invitae), Labcorp); PubMed 23684012 (cited by Labcorp Genetics (formerly Invitae), Labcorp).

NM_004656.4(BAP1):c.542_543del (p.Leu180_Phe181insTer)

Gene: BAP1 (BRCA1 associated deubiquitinase 1; minus strand). Cytogenetic location: 3p21.1.
Variant type: Deletion.
Coding change: c.542_543del on transcript NM_004656.4 (MANE Select); coding-DNA positions 542 to 543, 2 bases deleted (TT; older notation c.542_543delTT).
Protein change: p.Leu180_Phe181insTer.
Molecular consequence: nonsense. On other transcripts: frameshift variant (2).
Genome position (GRCh38, 1-based): chr3:52,407,211-52,407,212, AA deleted on the plus strand (TT on the coding strand, the reverse complement: BAP1 is on the minus strand); deleting any 2 consecutive bases within chr3:52,407,211-52,407,213 gives the same sequence; the c. name uses the placement nearest the transcript's 3' end. VCF-style (leftmost placement, unchanged base first): chr3-52407210-CAA-C. GRCh37 (hg19) VCF-style: chr3-52441226-CAA-C.
Other names: c.541_542delTT, p.Phe181Terfs (NM_001410772.1); c.542_543delTT (NM_004656.2).
Identifiers: ClinVar variation 1747443 (VCV001747443.5), dbSNP rs2471349839, ClinGen allele CA2580070180.